The following is an entry in ClinVar:

ClinVar aggregate classification (germline): Conflicting classifications of pathogenicity. Review status: criteria provided, conflicting classifications (1 of 4 stars). 3 submissions from 3 submitters: Uncertain significance (1); Benign (1). 1 of the submissions does not count toward it. Last evaluated 2025-04-11.

Conditions:
Norman-Roberts syndrome (LIS2). Also called: Lissencephaly 2 (Norman-Roberts type). Identifiers: Orphanet 89844, MedGen C0796089, MONDO:0009760, OMIM 257320.
Familial temporal lobe epilepsy 7. Identifiers: Orphanet 101046, MedGen C4225327, MONDO:0014639, OMIM 616436.

Allele frequency attached by ClinVar (database versions not stated): gnomAD exomes below 0.00001; gnomAD 0.00001; TOPMed 0.00001; 1000 Genomes Project 30x 0.00016; 1000 Genomes Project 0.00020.
gnomAD v4.1: 57 of 1,579,158 alleles (0.0036%); highest among the groups gnomAD compares: East Asian, 0.13%; no homozygotes.

Submissions (3):

Labcorp Genetics (formerly Invitae), Labcorp
Classification: Benign for Familial temporal lobe epilepsy 7; Norman-Roberts syndrome. Last evaluated: 2025-04-11. Review status: criteria provided, single submitter. Criteria: Invitae Variant Classification Sherloc (09022015). Collection method: clinical testing. Allele origin: germline.

Illumina Laboratory Services, Illumina
Classification: Uncertain significance for Norman-Roberts syndrome. Last evaluated: 2018-01-12. Review status: criteria provided, single submitter. Criteria: ICSL Variant Classification Criteria 13 December 2019. Collection method: clinical testing. Allele origin: germline.

Clinical Genomics Laboratory, Stanford Medicine
Classification: Uncertain significance for Familial temporal lobe epilepsy 7. Last evaluated: 2020-10-28. Review status: no assertion criteria provided. Collection method: clinical testing. Allele origin: germline. Inheritance: Autosomal dominant inheritance. Affected: yes. Observed: 1 heterozygote. Not counted in ClinVar's aggregate classification.
Comment: The p.Leu998Val variant in the RELN gene has not been previously reported in association with disease. This variant has been identified in 1/18344 East Asian individuals by the Genome Aggregation Database. The Leu amino acid at position 998 is evolutionarily conserved. These data were assessed using the ACMG/AMP variant interpretation guidelines. In summary, the significance of the p.Leu998Val variant is uncertain. Additional information is needed to resolve the significance of this variant. [ACMG evidence codes used: PM2]

NM_005045.4(RELN):c.2992C>G (p.Leu998Val)

Gene: RELN (reelin; minus strand). Cytogenetic location: 7q22.1.
Variant type: single nucleotide variant.
Coding change: c.2992C>G on transcript NM_005045.4 (MANE Select); coding-DNA position 2992, C replaced by G.
Protein change: p.Leu998Val; replaces leucine 998 with valine.
Molecular consequence: missense variant.
Genome position (GRCh38, 1-based): chr7:103,610,711, G>C on the plus strand (C>G on the coding strand, the complement: RELN is on the minus strand). VCF-style: chr7-103610711-G-C. GRCh37 (hg19) VCF-style: chr7-103251158-G-C.
Other names: p.Leu998Val; c.2992C>G, p.Leu998Val (NM_173054.3); short protein forms L998V.
Identifiers: ClinVar variation 475956 (VCV000475956.10), dbSNP rs201003473, ClinGen allele CA163955249.